The following is an entry in ClinVar:

NM_000245.4(MET):c.2737C>G (p.Gln913Glu)

Gene: MET (MET proto-oncogene, receptor tyrosine kinase; plus strand). Cytogenetic location: 7q31.2.
Variant type: single nucleotide variant.
Coding change: c.2737C>G on transcript NM_000245.4 (MANE Select); coding-DNA position 2737, C replaced by G.
Protein change: p.Gln913Glu; replaces glutamine 913 with glutamic acid.
Molecular consequence: missense variant.
Genome position (GRCh38, 1-based): chr7:116,771,504, C>G. VCF-style: chr7-116771504-C-G. GRCh37 (hg19) VCF-style: chr7-116411558-C-G.
Other names: c.2791C>G, p.Gln931Glu (NM_001127500.3); c.1447C>G, p.Gln483Glu (NM_001324402.2); short protein forms Q931E, Q483E, Q913E.
Identifiers: ClinVar variation 1950247 (VCV001950247.5), dbSNP rs1794830159, ClinGen allele CA368986228.

ClinVar aggregate classification (germline): Uncertain significance (1 of 4 stars; one submission).

Conditions:
Renal cell carcinoma. Identifiers: Orphanet 217071, MedGen C0007134, MeSH D002292, MONDO:0005086, HP:0005584.

Submission:

Labcorp Genetics (formerly Invitae), Labcorp
Classification: Uncertain significance for Renal cell carcinoma. Last evaluated: 2022-08-08. Review status: criteria provided, single submitter. Criteria: Invitae Variant Classification Sherloc (09022015). Collection method: clinical testing. Allele origin: germline.
Comment: In summary, the available evidence is currently insufficient to determine the role of this variant in disease. Therefore, it has been classified as a Variant of Uncertain Significance. Algorithms developed to predict the effect of missense changes on protein structure and function are either unavailable or do not agree on the potential impact of this missense change (SIFT: "Deleterious"; PolyPhen-2: "Probably Damaging"; Align-GVGD: "Class C0"). This variant has not been reported in the literature in individuals affected with MET-related conditions. This variant is not present in population databases (gnomAD no frequency). This sequence change replaces glutamine, which is neutral and polar, with glutamic acid, which is acidic and polar, at codon 931 of the MET protein (p.Gln931Glu).